The following is an entry in ClinVar:

ClinVar aggregate classification (germline): Uncertain significance. Review status: criteria provided, multiple submitters, no conflicts (2 of 4 stars). 3 submissions from 3 submitters: Uncertain significance (3). Last evaluated 2026-02-01.

Conditions:
Inborn genetic diseases. Identifiers: MedGen C0950123, MeSH D030342.
EAST syndrome (SESAMES). Also called: SEIZURES, SENSORINEURAL DEAFNESS, ATAXIA, IMPAIRED INTELLECTUAL DEVELOPMENT, AND ELECTROLYTE IMBALANCE. Identifiers: Orphanet 199343, MedGen C2748572, MONDO:0013005, OMIM 612780.

Allele frequency attached by ClinVar (database versions not stated): gnomAD exomes below 0.00001 and 0.00001; ExAC 0.00002; TOPMed 0.00002; gnomAD 0.00003.
gnomAD v4.1: 9 of 1,562,092 alleles (0.00058%); highest among the groups gnomAD compares: African/African-American, 0.0041%; no homozygotes.

Submissions (3):

GeneDx
Classification: Uncertain significance. Last evaluated: 2026-02-01. Review status: criteria provided, single submitter. Criteria: GeneDx Variant Classification Process June 2021. Collection method: clinical testing. Allele origin: germline.
Comment: Not observed at significant frequency in large population cohorts (gnomAD); In silico analysis supports that this missense variant has a deleterious effect on protein structure/function; Has not been previously published as pathogenic or benign to our knowledge

Ambry Genetics
Classification: Uncertain significance for Inborn genetic diseases. Last evaluated: 2022-08-11. Review status: criteria provided, single submitter. Criteria: Ambry Variant Classification Scheme 2023. Collection method: clinical testing. Allele origin: germline.

Institute of Human Genetics, University of Leipzig Medical Center
Classification: Uncertain significance for EAST syndrome. Last evaluated: 2018-11-19. Review status: criteria provided, single submitter. Criteria: ACMG Guidelines, 2015. Collection method: clinical testing. Allele origin: germline. Affected: yes. Observed: 1 variant allele.
Comment: This variant was identified as homozygous

NM_002241.5(KCNJ10):c.506T>C (p.Ile169Thr)

Gene: KCNJ10 (potassium inwardly rectifying channel subfamily J member 10; minus strand). Cytogenetic location: 1q23.2.
Variant type: single nucleotide variant.
Coding change: c.506T>C on transcript NM_002241.5 (MANE Select); coding-DNA position 506, T replaced by C.
Protein change: p.Ile169Thr; replaces isoleucine 169 with threonine.
Molecular consequence: missense variant.
Genome position (GRCh38, 1-based): chr1:160,042,027, A>G on the plus strand (T>C on the coding strand, the complement: KCNJ10 is on the minus strand). VCF-style: chr1-160042027-A-G. GRCh37 (hg19) VCF-style: chr1-160011817-A-G.
Other names: short protein forms I169T.
Identifiers: ClinVar variation 976160 (VCV000976160.4), dbSNP rs777546233, ClinGen allele CA1193241.
Genomic context (GRCh38, chr1:160,042,027, plus strand): 5'-GAGGCCACAACTGCATGCTGGCTGAAACGAATGGTCTCAGCCCGCTTCTTGGGCCGGGCA[A>G]TCTTCGCCAGGAAGGTACCTGTGATGAAGATTTCCAGGATGGTGGTGAGCACCAGCTGGG-3'
Protein context (NP_002232.2, residues 159-179): IFITGTFLAK[Ile169Thr]ARPKKRAETI